The following is an entry in ClinVar:

NM_001035.3(RYR2):c.13405A>G (p.Arg4469Gly)

Gene: RYR2 (ryanodine receptor 2; plus strand). Cytogenetic location: 1q43.
Variant type: single nucleotide variant.
Coding change: c.13405A>G on transcript NM_001035.3 (MANE Select); coding-DNA position 13405, A replaced by G.
Protein change: p.Arg4469Gly; replaces arginine 4469 with glycine.
Molecular consequence: missense variant.
Genome position (GRCh38, 1-based): chr1:237,788,064, A>G. VCF-style: chr1-237788064-A-G. GRCh37 (hg19) VCF-style: chr1-237951364-A-G.
Other names: short protein forms R4469G.
Identifiers: ClinVar variation 999793 (VCV000999793.3), dbSNP rs367809296, ClinGen allele CA39830333.

ClinVar aggregate classification (germline): Uncertain significance (1 of 4 stars; one submission).

Conditions:
Catecholaminergic polymorphic ventricular tachycardia 1. Also called: VENTRICULAR TACHYCARDIA, CATECHOLAMINERGIC POLYMORPHIC, 1, WITH OR WITHOUT ATRIAL DYSFUNCTION AND/OR DILATED CARDIOMYOPATHY; RYR2-Related Catecholaminergic Polymorphic Ventricular Tachycardia; VENTRICULAR TACHYCARDIA, STRESS-INDUCED POLYMORPHIC 1. Identifiers: Orphanet 3286, MedGen C1631597, MONDO:0011484, OMIM 604772.

Allele frequency attached by ClinVar (database versions not stated): gnomAD 0.00001; TOPMed 0.00001; ESP Exome Variant Server 0.00008.

Submission:

Labcorp Genetics (formerly Invitae), Labcorp
Classification: Uncertain significance for Catecholaminergic polymorphic ventricular tachycardia 1. Last evaluated: 2021-08-31. Review status: criteria provided, single submitter. Criteria: Invitae Variant Classification Sherloc (09022015). Collection method: clinical testing. Allele origin: germline.
Comment: This sequence change replaces arginine with glycine at codon 4469 of the RYR2 protein (p.Arg4469Gly). The arginine residue is highly conserved and there is a moderate physicochemical difference between arginine and glycine. This variant is not present in population databases (ExAC no frequency). This variant has not been reported in the literature in individuals affected with RYR2-related conditions. Algorithms developed to predict the effect of missense changes on protein structure and function are either unavailable or do not agree on the potential impact of this missense change (SIFT: "Deleterious"; PolyPhen-2: "Benign"; Align-GVGD: "Class C0"). In summary, the available evidence is currently insufficient to determine the role of this variant in disease. Therefore, it has been classified as a Variant of Uncertain Significance.